The following is an entry in ClinVar:

ClinVar aggregate classification (germline): Likely pathogenic. Review status: criteria provided, single submitter (1 of 4 stars). 2 submissions from 2 submitters: Likely pathogenic (1). 1 of the submissions does not count toward it. Last evaluated 2024-05-20.

Conditions:
Frontotemporal dementia and/or amyotrophic lateral sclerosis 6 (FTDALS6). Also called: VCP-Related Amyotrophic Lateral Sclerosis/Frontotemporal Dementia; VCP-Related Amyotrophic Lateral Sclerosis. Identifiers: Orphanet 275872, Orphanet 803, MedGen C5436279, MONDO:0013501, OMIM 613954.
Inclusion body myopathy with Paget disease of bone and frontotemporal dementia. Also called: Inclusion body myopathy with early-onset Paget disease and frontotemporal dementia. Identifiers: Orphanet 52430, MedGen C1833662, MONDO:0000507.
Lewy body dementia (DLB). Also called: Lewy Body Disease. Identifiers: MedGen C0752347, MONDO:0007488, OMIM 127750.

Submissions (2):

Labcorp Genetics (formerly Invitae), Labcorp
Classification: Likely pathogenic for Inclusion body myopathy with Paget disease of bone and frontotemporal dementia; Frontotemporal dementia and/or amyotrophic lateral sclerosis 6. Last evaluated: 2024-05-20. Review status: criteria provided, single submitter. Criteria: Invitae Variant Classification Sherloc (09022015). Collection method: clinical testing. Allele origin: germline.
Comment: This sequence change replaces isoleucine, which is neutral and non-polar, with methionine, which is neutral and non-polar, at codon 216 of the VCP protein (p.Ile216Met). This variant is not present in population databases (gnomAD no frequency). This missense change has been observed in individuals with clinical features of inclusion body myopathy (PMID: 35741838, 35896379; Invitae). ClinVar contains an entry for this variant (Variation ID: 836876). Advanced modeling of protein sequence and biophysical properties (such as structural, functional, and spatial information, amino acid conservation, physicochemical variation, residue mobility, and thermodynamic stability) performed at Invitae indicates that this missense variant is not expected to disrupt VCP protein function with a negative predictive value of 80%. In summary, the currently available evidence indicates that the variant is pathogenic, but additional data are needed to prove that conclusively. Therefore, this variant has been classified as Likely Pathogenic.

Guerreiro-Bras Laboratory, Van Andel Institute
Classification: Likely pathogenic for Lewy body dementia. Last evaluated: 2021-05-29. Review status: no assertion criteria provided. Collection method: research. Allele origin: unknown. Inheritance: Autosomal dominant inheritance. Affected: yes. Observed: 2 heterozygotes. Clinical features observed: Cognitive slowness, perception problems, cognitive testing MMSE score 29/30, reduced verbal fluency, urinary incontinence, constipation, orthostatic hypotension, REM sleep behavior disorder, clinical diagnosis of prodromal DLB, Entirely dependent. Segregation with disease observed. Not counted in ClinVar's aggregate classification.

Literature cited by the submitters: PubMed 35741838 (cited by Labcorp Genetics (formerly Invitae), Labcorp); PubMed 35896379 (cited by Labcorp Genetics (formerly Invitae), Labcorp).

NM_007126.5(VCP):c.648A>G (p.Ile216Met)

Gene: VCP (valosin containing protein; minus strand). Cytogenetic location: 9p13.3.
Variant type: single nucleotide variant.
Coding change: c.648A>G on transcript NM_007126.5 (MANE Select); coding-DNA position 648, A replaced by G.
Protein change: p.Ile216Met; replaces isoleucine 216 with methionine.
Molecular consequence: missense variant.
Genome position (GRCh38, 1-based): chr9:35,064,214, T>C on the plus strand (A>G on the coding strand, the complement: VCP is on the minus strand). VCF-style: chr9-35064214-T-C. GRCh37 (hg19) VCF-style: chr9-35064211-T-C.
Other names: c.513A>G, p.Ile171Met (NM_001354927.2, NM_001354928.2); short protein forms I171M, I216M.
Identifiers: ClinVar variation 836876 (VCV000836876.35), dbSNP rs1828783140, ClinGen allele CA373286752.